The following is an entry in ClinVar:

NM_006269.2(RP1):c.5450A>G (p.Asn1817Ser)

Genes: RP1 (RP1 axonemal microtubule associated; plus strand), LOC126860392 (CDK7 strongly-dependent group 2 enhancer GRCh37_chr8:55541319-55542518; plus strand). Cytogenetic location: 8q12.1.
Variant type: single nucleotide variant.
Coding change: c.5450A>G on transcript NM_006269.2 (MANE Select); coding-DNA position 5450, A replaced by G.
Protein change: p.Asn1817Ser; replaces asparagine 1817 with serine.
Molecular consequence: missense variant. On other transcripts: intron variant (1).
Genome position (GRCh38, 1-based): chr8:54,629,332, A>G. VCF-style: chr8-54629332-A-G. GRCh37 (hg19) VCF-style: chr8-55541892-A-G.
Other names: c.787+7044A>G (NM_001375654.1); short protein forms N1817S.
Identifiers: ClinVar variation 3700456 (VCV003700456.2).

ClinVar aggregate classification (germline): Uncertain significance (1 of 4 stars; one submission).

gnomAD v4.1: 7 of 1,614,060 alleles (0.00043%); highest among the groups gnomAD compares: Admixed American, 0.0017%; no homozygotes.

Submission:

Labcorp Genetics (formerly Invitae), Labcorp
Classification: Uncertain significance. Last evaluated: 2024-07-31. Review status: criteria provided, single submitter. Criteria: Invitae Variant Classification Sherloc (09022015). Collection method: clinical testing. Allele origin: germline.
Comment: This sequence change replaces asparagine, which is neutral and polar, with serine, which is neutral and polar, at codon 1817 of the RP1 protein (p.Asn1817Ser). This variant is not present in population databases (gnomAD no frequency). This variant has not been reported in the literature in individuals affected with RP1-related conditions. An algorithm developed to predict the effect of missense changes on protein structure and function outputs the following: PolyPhen-2: "Benign". The serine amino acid residue is found in multiple mammalian species, which suggests that this missense change does not adversely affect protein function. In summary, the available evidence is currently insufficient to determine the role of this variant in disease. Therefore, it has been classified as a Variant of Uncertain Significance.